The following is an entry in ClinVar:

ClinVar aggregate classification (germline): Pathogenic (1 of 4 stars; one submission).

Conditions:
X-linked Emery-Dreifuss muscular dystrophy. Also called: Muscular dystrophy, tardive Emery-Dreifuss type, with contractures. Identifiers: Orphanet 261, Orphanet 98863, MedGen C0751337, MONDO:0010680.

Submission:

Labcorp Genetics (formerly Invitae), Labcorp
Classification: Pathogenic for X-linked Emery-Dreifuss muscular dystrophy. Last evaluated: 2022-07-26. Review status: criteria provided, single submitter. Criteria: Invitae Variant Classification Sherloc (09022015). Collection method: clinical testing. Allele origin: germline.
Comment: Algorithms developed to predict the effect of sequence changes on RNA splicing suggest that this variant may create or strengthen a splice site. For these reasons, this variant has been classified as Pathogenic. ClinVar contains an entry for this variant (Variation ID: 859127). This variant has not been reported in the literature in individuals affected with EMD-related conditions. This variant is not present in population databases (gnomAD no frequency). This sequence change creates a premature translational stop signal (p.Val27Serfs*6) in the EMD gene. It is expected to result in an absent or disrupted protein product. Loss-of-function variants in EMD are known to be pathogenic (PMID: 24365856).

Literature cited by the submitters: PubMed 24365856.

NM_000117.3(EMD):c.77dup (p.Val27fs)

Gene: EMD (emerin; plus strand). Cytogenetic location: Xq28.
Variant type: Duplication.
Coding change: c.77dup on transcript NM_000117.3 (MANE Select); coding-DNA position 77, one base duplicated (T; older notation c.77dupT).
Protein change: p.Val27fs; shifts the reading frame from valine 27.
Molecular consequence: frameshift variant.
Genome position (GRCh38, 1-based): chrX:154,379,561, T duplicated. VCF-style (leftmost placement, unchanged base first): chrX-154379560-G-GT. GRCh37 (hg19) VCF-style: chrX-153607920-G-GT.
Other names: short protein forms V27fs.
Identifiers: ClinVar variation 859127 (VCV000859127.8), dbSNP rs2067873691, ClinGen allele CA916082512.